The following is an entry in ClinVar:

NM_201384.3(PLEC):c.4882G>C (p.Glu1628Gln)

Gene: PLEC (plectin; minus strand). Cytogenetic location: 8q24.3.
Variant type: single nucleotide variant.
Coding change: c.4882G>C on transcript NM_201384.3 (MANE Select); coding-DNA position 4882, G replaced by C.
Protein change: p.Glu1628Gln; replaces glutamic acid 1628 with glutamine.
Molecular consequence: missense variant.
Genome position (GRCh38, 1-based): chr8:143,925,047, C>G on the plus strand (G>C on the coding strand, the complement: PLEC is on the minus strand). VCF-style: chr8-143925047-C-G. GRCh37 (hg19) VCF-style: chr8-144999215-C-G.
Other names: c.4963G>C, p.Glu1655Gln (NM_000445.5); c.4840G>C, p.Glu1614Gln (NM_201378.4); c.4816G>C, p.Glu1606Gln (NM_201379.3); c.5293G>C, p.Glu1765Gln (NM_201380.4); c.4786G>C, p.Glu1596Gln (NM_201381.3); c.4882G>C, p.Glu1628Gln (NM_201382.4); c.4894G>C, p.Glu1632Gln (NM_201383.3); short protein forms E1614Q, E1628Q, E1632Q, E1606Q, E1655Q, E1596Q, E1765Q.
Identifiers: ClinVar variation 1508132 (VCV001508132.6), dbSNP rs782452508, ClinGen allele CA372551994.
Genomic context (GRCh38, chr8:143,925,047, plus strand): 5'-CCTGCAGCCGCAGCCGTAGCGCCTCGTTGGCCTTGAGCTGCCAGCGCTCCAGCTCCCGCT[C>G]TGCCTCCTCGCGCGCCCGCTCGGCCTCGGCCTGCTGCTGTGCCCGCCGCTCAGCCTCCTC-3'
Protein context (NP_958786.1, residues 1618-1638): AEAERAREEA[Glu1628Gln]RELERWQLKA

ClinVar aggregate classification (germline): Uncertain significance (1 of 4 stars; one submission).

Conditions:
Autosomal recessive limb-girdle muscular dystrophy type 2Q (LGMDR17). Also called: MUSCULAR DYSTROPHY, LIMB-GIRDLE, AUTOSOMAL RECESSIVE 17. Identifiers: Orphanet 254361, MedGen C3150989, MONDO:0013390, OMIM 613723.
Epidermolysis bullosa simplex, Ogna type (EBS5A). Also called: Pidermolysis bullosa simplex 5A, Ogna type; EPIDERMOLYSIS BULLOSA SIMPLEX 5A, OGNA TYPE. Identifiers: Orphanet 79401, MedGen C0432317, MONDO:0007555, OMIM 131950.
Epidermolysis bullosa simplex 5B, with muscular dystrophy (EBS5B). Also called: EPIDERMOLYSIS BULLOSA SIMPLEX AND LIMB-GIRDLE MUSCULAR DYSTROPHY; Epidermolysis bullosa simplex with muscular dystrophy. Identifiers: Orphanet 257, MedGen C2931072, MONDO:0009181, OMIM 226670.
Epidermolysis bullosa simplex 5C, with pyloric atresia (EBS5C). Also called: Epidermolysis bullosa simplex with pyloric atresia; PLEC-Related Epidermolysis Bullosa with Pyloric Atresia; PLEC1-Related Epidermolysis Bullosa with Pyloric Atresia. Identifiers: Orphanet 158684, MedGen C2677349, MONDO:0012807, OMIM 612138.
Epidermolysis bullosa simplex with nail dystrophy (EBS5D). Identifiers: MedGen C4225309, MONDO:0014661, OMIM 616487.

Submission:

Labcorp Genetics (formerly Invitae), Labcorp
Classification: Uncertain significance for Autosomal recessive limb-girdle muscular dystrophy type 2Q; Epidermolysis bullosa simplex, Ogna type; Epidermolysis bullosa simplex with nail dystrophy; Epidermolysis bullosa simplex 5C, with pyloric atresia; Epidermolysis bullosa simplex 5B, with muscular dystrophy. Last evaluated: 2022-08-09. Review status: criteria provided, single submitter. Criteria: Invitae Variant Classification Sherloc (09022015). Collection method: clinical testing. Allele origin: germline.
Comment: In summary, the available evidence is currently insufficient to determine the role of this variant in disease. Therefore, it has been classified as a Variant of Uncertain Significance. Algorithms developed to predict the effect of missense changes on protein structure and function are either unavailable or do not agree on the potential impact of this missense change (SIFT: "Deleterious"; PolyPhen-2: "Not Available"; Align-GVGD: "Class C25"). ClinVar contains an entry for this variant (Variation ID: 1508132). This variant has not been reported in the literature in individuals affected with PLEC-related conditions. This variant is not present in population databases (gnomAD no frequency). This sequence change replaces glutamic acid, which is acidic and polar, with glutamine, which is neutral and polar, at codon 1655 of the PLEC protein (p.Glu1655Gln).